The following is an entry in ClinVar:

ClinVar aggregate classification (germline): Benign/Likely benign. Review status: criteria provided, multiple submitters, no conflicts (2 of 4 stars). 4 submissions from 4 submitters: Benign (3); Likely benign (1). Last evaluated 2026-01-26.

Conditions:
Hypouricemia, renal, 2. Also called: HYPOURICEMIA, RENAL, 2, AUTOSOMAL DOMINANT; HYPOURICEMIA, RENAL, 2, AUTOSOMAL RECESSIVE. Identifiers: MedGen C2677549, MONDO:0012793, OMIM 612076.

Allele frequency attached by ClinVar (database versions not stated): 1000 Genomes Project 0.00040; 1000 Genomes Project 30x 0.00062; ExAC 0.00076; gnomAD 0.00077 and 0.00082; ESP Exome Variant Server 0.00085; TOPMed 0.00095; gnomAD exomes 0.00096 and 0.00114.
gnomAD v4.1: 1,789 of 1,614,164 alleles (0.11%); highest among the groups gnomAD compares: Non-Finnish European, 0.13%; 1 homozygote.

Submissions (4):

Labcorp Genetics (formerly Invitae), Labcorp
Classification: Benign. Last evaluated: 2026-01-26. Review status: criteria provided, single submitter. Criteria: Invitae Variant Classification Sherloc (09022015). Collection method: clinical testing. Allele origin: germline.

Blueprint Genetics
Classification: Likely benign. Last evaluated: 2024-11-26. Review status: criteria provided, single submitter. Criteria: ACMG Guidelines, 2015. Collection method: clinical testing. Allele origin: germline.

Fulgent Genetics
Classification: Benign for Hypouricemia, renal, 2. Last evaluated: 2021-08-22. Review status: criteria provided, single submitter. Criteria: ACMG Guidelines, 2015. Collection method: clinical testing. Allele origin: unknown.

Illumina Laboratory Services, Illumina
Classification: Benign for Hypouricemia, renal, 2. Last evaluated: 2018-01-13. Review status: criteria provided, single submitter. Criteria: ICSL Variant Classification Criteria 13 December 2019. Collection method: clinical testing. Allele origin: germline.
Comment: This variant was observed in the ICSL laboratory as part of a predisposition screen in an ostensibly healthy population. It had not been previously curated by ICSL or reported in the Human Gene Mutation Database (HGMD: prior to June 1st, 2018), and was therefore a candidate for classification through an automated scoring system. Utilizing variant allele frequency, disease prevalence and penetrance estimates, and inheritance mode, an automated score was calculated to assess if this variant is too frequent to cause the disease. Based on the score and internal cut-off values, a variant classified as benign is not then subjected to further curation. The score for this variant resulted in a classification of benign for this disease.

NM_020041.3(SLC2A9):c.351C>T (p.Phe117=)

Genes: SLC2A9 (solute carrier family 2 member 9; minus strand), SLC2A9-AS1 (SLC2A9 antisense RNA 1; plus strand). Cytogenetic location: 4p16.1.
Variant type: single nucleotide variant.
Coding change: c.351C>T on transcript NM_020041.3 (MANE Select); coding-DNA position 351, C replaced by T.
Protein change: p.Phe117=; no amino-acid change (phenylalanine 117 retained).
Molecular consequence: synonymous variant.
Genome position (GRCh38, 1-based): chr4:9,996,840, G>A on the plus strand (C>T on the coding strand, the complement: SLC2A9 is on the minus strand). VCF-style: chr4-9996840-G-A. GRCh37 (hg19) VCF-style: chr4-9998464-G-A.
Other names: c.264C>T, p.Phe88= (NM_001001290.2).
Identifiers: ClinVar variation 350239 (VCV000350239.11), dbSNP rs148002726, ClinGen allele CA2857271.